The following is an entry in ClinVar:

ClinVar aggregate classification (germline): Uncertain significance. Review status: criteria provided, multiple submitters, no conflicts (2 of 4 stars). 2 submissions from 2 submitters: Uncertain significance (2). Last evaluated 2025-12-26.

Allele frequency attached by ClinVar (database versions not stated): ExAC 0.00002; gnomAD exomes below 0.00001.
gnomAD v4.1: 1 of 1,614,004 alleles (0.000062%); highest among the groups gnomAD compares: South Asian, 0.0011%; no homozygotes.

Submissions (2):

Dasa
Classification: Uncertain significance. Last evaluated: 2025-12-26. Review status: criteria provided, single submitter. Criteria: DASA Assertion Criteria. Collection method: clinical testing. Allele origin: germline.
Comment: NM_001080517.3(SETD5):c.2204C>T (p.Thr735Ile) is a missense variant that results in the substitution of threonine with isoleucine. This variant is rare in population databases. Computational prediction algorithms are consistent with a deleterious effect. The currently available literature and clinical evidence are not sufficient to establish a definitive association between this variant and the reported condition. Therefore, this variant is classified as a variant of uncertain significance.

GeneDx
Classification: Uncertain significance. Last evaluated: 2022-06-17. Review status: criteria provided, single submitter. Criteria: GeneDx Variant Classification Process June 2021. Collection method: clinical testing. Allele origin: germline. Affected: yes.
Comment: Not observed at significant frequency in large population cohorts (gnomAD); In silico analysis supports that this missense variant has a deleterious effect on protein structure/function; Has not been previously published as pathogenic or benign to our knowledge

NM_001080517.3(SETD5):c.2204C>T (p.Thr735Ile)

Gene: SETD5 (SET domain containing 5; plus strand). Cytogenetic location: 3p25.3.
Variant type: single nucleotide variant.
Coding change: c.2204C>T on transcript NM_001080517.3 (MANE Select); coding-DNA position 2204, C replaced by T.
Protein change: p.Thr735Ile; replaces threonine 735 with isoleucine.
Molecular consequence: missense variant.
Genome position (GRCh38, 1-based): chr3:9,448,488, C>T. VCF-style: chr3-9448488-C-T. GRCh37 (hg19) VCF-style: chr3-9490172-C-T.
Other names: c.1910C>T, p.Thr637Ile (NM_001292043.2, NM_001349451.2); short protein forms T637I, T735I.
Identifiers: ClinVar variation 1804462 (VCV001804462.3), dbSNP rs777794995, ClinGen allele CA2239385.